The following is an entry in ClinVar:

ClinVar aggregate classification (germline): Uncertain significance. Review status: criteria provided, multiple submitters, no conflicts (2 of 4 stars). 2 submissions from 2 submitters: Uncertain significance (2). Last evaluated 2024-11-25.

Conditions:
MYO18B-related disorder. Also called: MYO18B-related condition.

Allele frequency attached by ClinVar (database versions not stated): gnomAD 0.00002; gnomAD exomes 0.00002; TOPMed 0.00003; ExAC 0.00004; ESP Exome Variant Server 0.00008.

Submissions (2):

PreventionGenetics, part of Exact Sciences
Classification: Uncertain significance for MYO18B-related condition. Last evaluated: 2024-11-25. Review status: criteria provided, single submitter. Criteria: ACMG Guidelines, 2015. Collection method: clinical testing. Allele origin: germline.
Comment: The MYO18B c.2102G>A variant is predicted to result in the amino acid substitution p.Arg701Gln. To our knowledge, this variant has not been reported in the literature or in a large population database (gnomAD), indicating this variant is rare. At this time, the clinical significance of this variant is uncertain due to the absence of conclusive functional and genetic evidence.

Labcorp Genetics (formerly Invitae), Labcorp
Classification: Uncertain significance. Last evaluated: 2022-08-06. Review status: criteria provided, single submitter. Criteria: Invitae Variant Classification Sherloc (09022015). Collection method: clinical testing. Allele origin: germline.
Comment: This sequence change replaces arginine, which is basic and polar, with glutamine, which is neutral and polar, at codon 701 of the MYO18B protein (p.Arg701Gln). The frequency data for this variant in the population databases is considered unreliable, as metrics indicate poor data quality at this position in the gnomAD database. This variant has not been reported in the literature in individuals affected with MYO18B-related conditions. Algorithms developed to predict the effect of missense changes on protein structure and function output the following: SIFT: "Not Available"; PolyPhen-2: "Benign"; Align-GVGD: "Not Available". The glutamine amino acid residue is found in multiple mammalian species, which suggests that this missense change does not adversely affect protein function. Algorithms developed to predict the effect of sequence changes on RNA splicing suggest that this variant may create or strengthen a splice site. In summary, the available evidence is currently insufficient to determine the role of this variant in disease. Therefore, it has been classified as a Variant of Uncertain Significance.

NM_032608.7(MYO18B):c.2102G>A (p.Arg701Gln)

Gene: MYO18B (myosin XVIIIB; plus strand). Cytogenetic location: 22q12.1.
Variant type: single nucleotide variant.
Coding change: c.2102G>A on transcript NM_032608.7 (MANE Select); coding-DNA position 2102, G replaced by A.
Protein change: p.Arg701Gln; replaces arginine 701 with glutamine.
Molecular consequence: missense variant.
Genome position (GRCh38, 1-based): chr22:25,780,089, G>A. VCF-style: chr22-25780089-G-A. GRCh37 (hg19) VCF-style: chr22-26176056-G-A.
Other names: c.2102G>A (NM_032608.6); c.2102G>A, p.Arg701Gln (NM_001318245.2); short protein forms R701Q.
Identifiers: ClinVar variation 1950544 (VCV001950544.3), dbSNP rs371129815, ClinGen allele CA10160053.